The following is an entry in ClinVar:

ClinVar aggregate classification (germline): Conflicting classifications of pathogenicity. Review status: criteria provided, conflicting classifications (1 of 4 stars). 2 submissions from 2 submitters: Uncertain significance (1); Benign (1). Last evaluated 2025-10-06.

Conditions:
Amyotrophic lateral sclerosis type 4 (ALS4). Also called: AMYOTROPHIC LATERAL SCLEROSIS 4, JUVENILE; NEURONOPATHY, DISTAL HEREDITARY MOTOR, WITH PYRAMIDAL FEATURES. Identifiers: Orphanet 357043, MedGen C1865409, MONDO:0011223, OMIM 602433.
Spinocerebellar ataxia, autosomal recessive, with axonal neuropathy 2 (SCAN2). Also called: ATAXIA-OCULOMOTOR APRAXIA 2; Ataxia-ocular apraxia-2; Ataxia with Oculomotor Apraxia; Ataxia with Oculomotor Apraxia Type 2. Identifiers: Orphanet 64753, MedGen C1853761, MONDO:0018996, OMIM 606002.
Amyotrophic lateral sclerosis (ALS). Also called: Charcot disease; Lou Gehrig disease. Identifiers: Orphanet 803, MedGen C0002736, MONDO:0004976, HP:0007354.

Allele frequency attached by ClinVar (database versions not stated): TOPMed below 0.00001; gnomAD exomes 0.00002.
gnomAD v4.1: 30 of 1,612,818 alleles (0.0019%); highest among the groups gnomAD compares: Non-Finnish European, 0.0012%; no homozygotes.

Submissions (2):

Labcorp Genetics (formerly Invitae), Labcorp
Classification: Benign for Amyotrophic lateral sclerosis type 4; Spinocerebellar ataxia, autosomal recessive, with axonal neuropathy 2. Last evaluated: 2025-10-06. Review status: criteria provided, single submitter. Criteria: Invitae Variant Classification Sherloc (09022015). Collection method: clinical testing. Allele origin: germline.

UM ALS/MND Lab, University Of Malta
Classification: Uncertain significance for Amyotrophic lateral sclerosis. Last evaluated: 2020-09-09. Review status: criteria provided, single submitter. Criteria: ACMG Guidelines, 2015. Collection method: case-control. Allele origin: unknown. Affected: yes. Observed: 1 variant allele.
Comment: Single heterozygote

NM_015046.7(SETX):c.2425A>G (p.Ile809Val)

Gene: SETX (senataxin; minus strand). Cytogenetic location: 9q34.13.
Variant type: single nucleotide variant.
Coding change: c.2425A>G on transcript NM_015046.7 (MANE Select); coding-DNA position 2425, A replaced by G.
Protein change: p.Ile809Val; replaces isoleucine 809 with valine.
Molecular consequence: missense variant.
Genome position (GRCh38, 1-based): chr9:132,329,173, T>C on the plus strand (A>G on the coding strand, the complement: SETX is on the minus strand). VCF-style: chr9-132329173-T-C. GRCh37 (hg19) VCF-style: chr9-135204560-T-C.
Other names: c.2425A>G, p.Ile809Val (NM_001351527.2, NM_001351528.2); short protein forms I809V.
Identifiers: ClinVar variation 981028 (VCV000981028.6), dbSNP rs906452681, ClinGen allele CA200812627.
Genomic context (GRCh38, chr9:132,329,173, plus strand): 5'-TATCTTTCCTTGAATAGAAACTCTCAATGTTAGATACAGTCAAATTTTCATCTAAATTGA[T>C]AGTATTATCGACCAAAGTACTCTTCCTGTGTTGCTTCTTTATTACATGTGATAACTTTGC-3'
Protein context (NP_055861.3, residues 799-819): HRKSTLVDNT[Ile809Val]NLDENLTVSN